The following is an entry in ClinVar:

ClinVar aggregate classification (germline): Conflicting classifications of pathogenicity. Review status: criteria provided, conflicting classifications (1 of 4 stars). 2 submissions from 2 submitters: Uncertain significance (1); Likely benign (1). Last evaluated 2023-03-23.

Conditions:
Hereditary cancer-predisposing syndrome. Also called: Hereditary Cancer Syndrome; Hereditary neoplastic syndrome; Neoplastic Syndromes, Hereditary; Tumor predisposition. Identifiers: Orphanet 140162, MedGen C0027672, MeSH D009386, MONDO:0015356.

Allele frequency attached by ClinVar (database versions not stated): gnomAD exomes below 0.00001.
gnomAD v4.1: 1 of 1,596,862 alleles (0.000063%); highest among the groups gnomAD compares: Non-Finnish European, 0.000085%; no homozygotes.

Submissions (2):

University of Washington Department of Laboratory Medicine, University of Washington
Classification: Likely benign for Hereditary cancer-predisposing syndrome. Last evaluated: 2023-03-23. Review status: criteria provided, single submitter. Criteria: Dines et al. (Genet Med. 2020). Collection method: curation. Allele origin: germline.
Comment: Missense variant in a coldspot region where missense variants are very unlikely to be pathogenic (PMID:31911673).

BRCA2 exon 10 coldspot. Reclassification based on statistical prior probability.

Ambry Genetics
Classification: Uncertain significance for Hereditary cancer-predisposing syndrome. Last evaluated: 2022-02-20. Review status: criteria provided, single submitter. Criteria: Ambry Variant Classification Scheme 2023. Collection method: clinical testing. Allele origin: germline.
Comment: The p.S519T variant (also known as c.1556G>C), located in coding exon 9 of the BRCA2 gene, results from a G to C substitution at nucleotide position 1556. The serine at codon 519 is replaced by threonine, an amino acid with similar properties. This amino acid position is poorly conserved in available vertebrate species. In addition, this alteration is predicted to be tolerated by in silico analysis. Since supporting evidence is limited at this time, the clinical significance of this alteration remains unclear.

Literature cited by the submitters: PubMed 32772980 (cited by Ambry Genetics).

NM_000059.4(BRCA2):c.1556G>C (p.Ser519Thr)

Gene: BRCA2 (BRCA2 DNA repair associated; plus strand). Cytogenetic location: 13q13.1.
Variant type: single nucleotide variant.
Coding change: c.1556G>C on transcript NM_000059.4 (MANE Select); coding-DNA position 1556, G replaced by C.
Protein change: p.Ser519Thr; replaces serine 519 with threonine.
Molecular consequence: missense variant.
Genome position (GRCh38, 1-based): chr13:32,333,034, G>C. VCF-style: chr13-32333034-G-C. GRCh37 (hg19) VCF-style: chr13-32907171-G-C.
Other names: c.1556G>C, p.Ser519Thr (NM_001406719.1, NM_001406720.1, NM_001406721.1); short protein forms S519T.
Identifiers: ClinVar variation 1775163 (VCV001775163.4), dbSNP rs2548520519, ClinGen allele CA387764682.
Genomic context (GRCh38, chr13:32,333,034, plus strand): 5'-AGGGTATCAAAAAGTCTATATTCAGAATAAGAGAATCACCTAAAGAGACTTTCAATGCAA[G>C]TTTTTCAGGTCATATGACTGATCCAAACTTTAAAAAAGAAACTGAAGCCTCTGAAAGTGG-3'
Protein context (NP_000050.3, residues 509-529): RESPKETFNA[Ser519Thr]FSGHMTDPNF